The following is an entry in ClinVar:

NM_001009899.4(USF3):c.809C>T (p.Ser270Phe)

Gene: USF3 (upstream transcription factor family member 3; minus strand). Cytogenetic location: 3q13.2.
Variant type: single nucleotide variant.
Coding change: c.809C>T on transcript NM_001009899.4 (MANE Select); coding-DNA position 809, C replaced by T.
Protein change: p.Ser270Phe; replaces serine 270 with phenylalanine.
Molecular consequence: missense variant.
Genome position (GRCh38, 1-based): chr3:113,660,873, G>A on the plus strand (C>T on the coding strand, the complement: USF3 is on the minus strand). VCF-style: chr3-113660873-G-A. GRCh37 (hg19) VCF-style: chr3-113379720-G-A.
Other names: short protein forms S270F.
Identifiers: ClinVar variation 3388151 (VCV003388151.14).
Genomic context (GRCh38, chr3:113,660,873, plus strand): 5'-GGGTTCTCTTGTCCATTCTTATTTTCAGAAGAATTTTGATCATTTAGGCATGTGTGCAAA[G>A]AATGATGTTGGTGAGGCTCAGATTCAATTGAAACAGCAATCAGTGAGCCACTAGTGGCAC-3'
Protein context (NP_001009899.3, residues 260-280): SIESEPHQHH[Ser270Phe]LHTCLNDQNS

ClinVar aggregate classification (germline): Benign (1 of 4 stars; one submission).

gnomAD v4.1: 1,220 of 1,614,116 alleles (0.076%); highest among the groups gnomAD compares: African/African-American, 1.5%; 13 homozygotes.

Submission:

CeGaT Center for Human Genetics Tuebingen
Classification: Benign. Last evaluated: 2024-09-01. Review status: criteria provided, single submitter. Criteria: CeGaT Center For Human Genetics Tuebingen Variant Classification Criteria Version 2. Collection method: clinical testing. Allele origin: germline. Affected: yes. Observed: 1 variant allele.
Comment: USF3: BP4, BS1, BS2